The following is an entry in ClinVar:

NC_000011.9:g.(?_5246695)_(5255713_?)del

Genes: HBB (hemoglobin subunit beta; minus strand), HBD (hemoglobin subunit delta; minus strand). Cytogenetic location: 11p15.4.
Variant type: Deletion.
Identifiers: ClinVar variation 996224 (VCV000996224.1).

ClinVar aggregate classification (germline): Pathogenic (1 of 4 stars; one submission).

Conditions:
Hemoglobinopathy. Also called: Hemoglobin disorder; Haemoglobinopathies. Identifiers: MedGen C0019045, MONDO:0044348.

Submission:

Women's Health and Genetics/Laboratory Corporation of America, LabCorp
Classification: Pathogenic for Hemoglobinopathy. Last evaluated: 2021-01-08. Review status: criteria provided, single submitter. Criteria: LabCorp Variant Classification Summary - May 2015. Collection method: clinical testing. Allele origin: germline.
Comment: Variant summary: The variant identified by MLPA or other technology involves the deletion of the whole HBB and HBD genes. A presumed nomenclature of c.HBB_HBD_del has been designated for the purposes of this classification. Although exact breakpoints of this deletion are not known, it is expected to result in the deletion of the HBB and HBD genes, a known mechanism of disease. The variant was absent in 21694 control chromosomes. However, larger deletions encompassing the variant allele were found at maximum allele frequency of 0.0012 within African or African-American subpopulation controls (gnomAD, Structural Variants dataset). c.HBB_HBD_del has been reported in the literature in multiple individuals affected with beta-thalassemia (Perea_2004) or Hereditary Persistence of Fetal Hemoglobin (Craig_1994, Blattner_2013). These data indicate that the variant is very likely to be associated with disease. No clinical diagnostic laboratories have submitted clinical-significance assessments for this variant to ClinVar after 2014. Based on the evidence outlined above, the variant was classified as pathogenic.

Literature cited by the submitters: PubMed 15315794; PubMed 23491071; PubMed 7510147.